The following is an entry in ClinVar:

ClinVar aggregate classification (germline): Likely pathogenic (1 of 4 stars; one submission).

Conditions:
Primary ciliary dyskinesia 19. Also called: CILIARY DYSKINESIA, PRIMARY, 19, WITH OR WITHOUT SITUS INVERSUS. Identifiers: Orphanet 244, MedGen C3543826, MONDO:0013979, OMIM 614935.

Submission:

Labcorp Genetics (formerly Invitae), Labcorp
Classification: Likely pathogenic for Primary ciliary dyskinesia 19. Last evaluated: 2023-08-16. Review status: criteria provided, single submitter. Criteria: Invitae Variant Classification Sherloc (09022015). Collection method: clinical testing. Allele origin: unknown.
Comment: This variant results in a copy number gain of the genomic region encompassing exon(s) 11 of the LRRC6 gene. While the exact position of this variant cannot be determined from the data, sub-genic copy number gains are generally in tandem (PMID: 25640679). This variant is predicted to be out-of-frame, and may result in an absent or disrupted protein product. Loss-of-function variants in LRRC6 are known to be pathogenic (PMID: 23122589). This variant has not been reported in the literature in individuals affected with LRRC6-related conditions. In summary, the currently available evidence indicates that the variant is pathogenic, but additional data are needed to prove that conclusively. Therefore, this variant has been classified as Likely Pathogenic.

Literature cited by the submitters: PubMed 25640679; PubMed 23122589.

NC_000008.10:g.(?_133595921)_(133596046_?)dup

Gene: DNAAF11 (dynein axonemal assembly factor 11; minus strand). Cytogenetic location: 8q24.22.
Variant type: Duplication.
Identifiers: ClinVar variation 3245525 (VCV003245525.1).